The following is an entry in ClinVar:

ClinVar aggregate classification (germline): Uncertain significance. Review status: criteria provided, multiple submitters, no conflicts (2 of 4 stars). 2 submissions from 2 submitters: Uncertain significance (2). Last evaluated 2026-05-15.

Conditions:
ABCD3-related disorder. Also called: ABCD3-related condition.

Allele frequency attached by ClinVar (database versions not stated): gnomAD 0.00002; ExAC 0.00003; TOPMed 0.00003.
gnomAD v4.1: 79 of 1,603,016 alleles (0.0049%); highest among the groups gnomAD compares: Non-Finnish European, 0.0052%; no homozygotes.

Submissions (2):

PreventionGenetics, part of Exact Sciences
Classification: Uncertain significance for ABCD3-related condition. Last evaluated: 2026-05-15. Review status: criteria provided, single submitter. Criteria: ACMG Guidelines, 2015. Collection method: clinical testing. Allele origin: germline.
Comment: The ABCD3 c.673A>G variant is predicted to result in the amino acid substitution p.Ile225Val. This variant was reported de novo, along with variants in three other genes, in an individual with congenital heart disease (Table S9, Jin et al. 2017. PubMed ID: 28991257). This variant is reported in 0.019% of alleles in individuals of Ashkenazi Jewish descent in gnomAD. At this time, the clinical significance of this variant is uncertain due to the absence of conclusive functional and genetic evidence.

Labcorp Genetics (formerly Invitae), Labcorp
Classification: Uncertain significance. Last evaluated: 2025-10-03. Review status: criteria provided, single submitter. Criteria: Invitae Variant Classification Sherloc (09022015). Collection method: clinical testing. Allele origin: germline.
Comment: This sequence change replaces isoleucine, which is neutral and non-polar, with valine, which is neutral and non-polar, at codon 225 of the ABCD3 protein (p.Ile225Val). This variant is present in population databases (rs760083671, gnomAD 0.02%). This variant has not been reported in the literature in individuals affected with ABCD3-related conditions. ClinVar contains an entry for this variant (Variation ID: 2632061). An algorithm developed to predict the effect of missense changes on protein structure and function (PolyPhen-2) suggests that this variant is likely to be tolerated. In summary, the available evidence is currently insufficient to determine the role of this variant in disease. Therefore, it has been classified as a Variant of Uncertain Significance.

NM_002858.4(ABCD3):c.673A>G (p.Ile225Val)

Gene: ABCD3 (ATP binding cassette subfamily D member 3; plus strand). Cytogenetic location: 1p21.3.
Variant type: single nucleotide variant.
Coding change: c.673A>G on transcript NM_002858.4 (MANE Select); coding-DNA position 673, A replaced by G.
Protein change: p.Ile225Val; replaces isoleucine 225 with valine.
Molecular consequence: missense variant.
Genome position (GRCh38, 1-based): chr1:94,478,304, A>G. VCF-style: chr1-94478304-A-G. GRCh37 (hg19) VCF-style: chr1-94943860-A-G.
Other names: c.673A>G, p.Ile225Val (NM_001122674.2); short protein forms I225V.
Identifiers: ClinVar variation 2632061 (VCV002632061.5), dbSNP rs760083671, ClinGen allele CA960178.